The following is an entry in ClinVar:

ClinVar aggregate classification (germline): Uncertain significance. Review status: criteria provided, multiple submitters, no conflicts (2 of 4 stars). 6 submissions from 5 submitters: Uncertain significance (6). Last evaluated 2024-06-16.

Conditions:
Pierson syndrome. Also called: MICROCORIA-CONGENITAL NEPHROTIC SYNDROME. Identifiers: Orphanet 2670, MedGen C1836876, MONDO:0012184, OMIM 609049.
LAMB2-related infantile-onset nephrotic syndrome. Also called: Nephrotic Syndrome, type 5; NEPHROTIC SYNDROME, TYPE 5, WITHOUT OCULAR ABNORMALITIES; NEPHROTIC SYNDROME, TYPE 5, WITH OCULAR ABNORMALITIES. Identifiers: Orphanet 306507, MedGen C3280113, MONDO:0013621, OMIM 614199.
Inborn genetic diseases. Identifiers: MedGen C0950123, MeSH D030342.

Allele frequency attached by ClinVar (database versions not stated): ExAC 0.00009; gnomAD exomes 0.00009 and 0.00013; gnomAD 0.00012; TOPMed 0.00013; ESP Exome Variant Server 0.00015.
gnomAD v4.1: 199 of 1,613,964 alleles (0.012%); highest among the groups gnomAD compares: Middle Eastern, 0.016%; no homozygotes.

Submissions (6):

Ambry Genetics
Classification: Uncertain significance for Inborn genetic diseases. Last evaluated: 2024-06-16. Review status: criteria provided, single submitter. Criteria: Ambry Variant Classification Scheme 2023. Collection method: clinical testing. Allele origin: germline.

Fulgent Genetics
Classification: Uncertain significance for Pierson syndrome; LAMB2-related infantile-onset nephrotic syndrome. Last evaluated: 2024-01-03. Review status: criteria provided, single submitter. Criteria: ACMG Guidelines, 2015. Collection method: clinical testing. Allele origin: germline.

Labcorp Genetics (formerly Invitae), Labcorp
Classification: Uncertain significance for LAMB2-related infantile-onset nephrotic syndrome; Pierson syndrome. Last evaluated: 2022-10-24. Review status: criteria provided, single submitter. Criteria: Invitae Variant Classification Sherloc (09022015). Collection method: clinical testing. Allele origin: germline.
Comment: This sequence change replaces serine, which is neutral and polar, with asparagine, which is neutral and polar, at codon 481 of the LAMB2 protein (p.Ser481Asn). This variant is present in population databases (rs144230655, gnomAD 0.02%). This variant has not been reported in the literature in individuals affected with LAMB2-related conditions. ClinVar contains an entry for this variant (Variation ID: 472470). Algorithms developed to predict the effect of missense changes on protein structure and function (SIFT, PolyPhen-2, Align-GVGD) all suggest that this variant is likely to be tolerated. In summary, the available evidence is currently insufficient to determine the role of this variant in disease. Therefore, it has been classified as a Variant of Uncertain Significance.

CeGaT Center for Human Genetics Tuebingen
Classification: Uncertain significance. Last evaluated: 2018-04-01. Review status: criteria provided, single submitter. Criteria: CeGaT Center For Human Genetics Tuebingen Variant Classification Criteria Version 2. Collection method: clinical testing. Allele origin: germline. Affected: yes. Observed: 1 variant allele.

Illumina Laboratory Services, Illumina
Classification: Uncertain significance for Pierson syndrome. Last evaluated: 2017-04-27. Review status: criteria provided, single submitter. Criteria: ICSL Variant Classification Criteria 13 December 2019. Collection method: clinical testing. Allele origin: germline.

Illumina Laboratory Services, Illumina
Classification: Uncertain significance for LAMB2-related infantile-onset nephrotic syndrome. Last evaluated: 2017-04-27. Review status: criteria provided, single submitter. Criteria: ICSL Variant Classification Criteria 13 December 2019. Collection method: clinical testing. Allele origin: germline.

NM_002292.4(LAMB2):c.1442G>A (p.Ser481Asn)

Gene: LAMB2 (laminin subunit beta 2; minus strand). Cytogenetic location: 3p21.31.
Variant type: single nucleotide variant.
Coding change: c.1442G>A on transcript NM_002292.4 (MANE Select); coding-DNA position 1442, G replaced by A.
Protein change: p.Ser481Asn; replaces serine 481 with asparagine.
Molecular consequence: missense variant.
Genome position (GRCh38, 1-based): chr3:49,129,680, C>T on the plus strand (G>A on the coding strand, the complement: LAMB2 is on the minus strand). VCF-style: chr3-49129680-C-T. GRCh37 (hg19) VCF-style: chr3-49167113-C-T.
Other names: short protein forms S481N.
Identifiers: ClinVar variation 472470 (VCV000472470.52), dbSNP rs144230655, ClinGen allele CA2394589.
Genomic context (GRCh38, chr3:49,129,680, plus strand): 5'-CCACGTCCAGTCACTAGACGTTTGCAGTAACAGGATCCACTGTTGGGGTCACAAGGAGTG[C>T]TCCCAGGCACTGTGCCCCGTGCATTACATTGACATCCTGCAGGGAAGGAGAACCATCAGC-3'
Protein context (NP_002283.3, residues 471-491): QCNARGTVPG[Ser481Asn]TPCDPNSGSC